The following is an entry in ClinVar:

ClinVar aggregate classification (germline): Conflicting classifications of pathogenicity. Review status: criteria provided, conflicting classifications (1 of 4 stars). 10 submissions from 10 submitters: Uncertain significance (7); Likely benign (2). 1 of the submissions does not count toward it. Last evaluated 2026-02-03.

Conditions:
STK11-related disorder. Also called: STK11-related condition.
Hereditary cancer-predisposing syndrome. Also called: Tumor predisposition; Neoplastic Syndromes, Hereditary; Hereditary Cancer Syndrome; Hereditary neoplastic syndrome. Identifiers: Orphanet 140162, MedGen C0027672, MeSH D009386, MONDO:0015356.
Melanoma, cutaneous malignant, susceptibility to, 1 (CMM1). Also called: B-K MOLE SYNDROME; DYSPLASTIC NEVUS SYNDROME, HEREDITARY; FAMILIAL ATYPICAL MOLE-MALIGNANT MELANOMA SYNDROME; MELANOMA, MALIGNANT. Identifiers: Orphanet 618, MedGen C1835047, MONDO:0007963, OMIM 155600.
Peutz-Jeghers syndrome (PJS). Also called: Peutz-Jeghers polyposis; Periorificial lentiginosis syndrome; POLYPOSIS, HAMARTOMATOUS INTESTINAL; POLYPS-AND-SPOTS SYNDROME. Identifiers: Orphanet 2869, MedGen C0031269, MeSH D010580, MONDO:0008280, OMIM 175200.

Allele frequency attached by ClinVar (database versions not stated): gnomAD exomes below 0.00001 and 0.00001; ExAC 0.00001; gnomAD 0.00001; TOPMed 0.00001.
gnomAD v4.1: 8 of 1,612,642 alleles (0.0005%); highest among the groups gnomAD compares: African/African-American, 0.0013%; no homozygotes.

Submissions (10):

Labcorp Genetics (formerly Invitae), Labcorp
Classification: Likely benign for Peutz-Jeghers syndrome. Last evaluated: 2026-02-03. Review status: criteria provided, single submitter. Criteria: Invitae Variant Classification Sherloc (09022015). Collection method: clinical testing. Allele origin: germline.

All of Us Research Program, National Institutes of Health
Classification: Uncertain significance for Peutz-Jeghers syndrome. Last evaluated: 2024-08-06. Review status: criteria provided, single submitter. Criteria: ACMG Guidelines, 2015. Collection method: clinical testing. Allele origin: germline. Inheritance: Autosomal dominant inheritance. Observed: 6 variant alleles, 6 heterozygotes.
Comment: This missense variant replaces threonine with methionine at codon 24 of the STK11 protein. Computational prediction is inconclusive regarding the impact of this variant on protein structure and function (internally defined REVEL score threshold 0.5 < inconclusive < 0.7, PMID: 27666373). To our knowledge, functional studies have not been reported for this variant. This variant has been reported in individuals affected with leukemia (PMID: 26580448) and prostate cancer (PMID: 29368341) This variant has been identified in 2/245242 chromosomes in the general population by the Genome Aggregation Database (gnomAD). The available evidence is insufficient to determine the role of this variant in disease conclusively. Therefore, this variant is classified as a Variant of Uncertain Significance.

This study involves interpretation of variants in research participants for the purpose of population health screening. Participant phenotype was not available at the time of variant classification. Additional details can be found in publication PMID: 35346344, PMCID: PMC8962531

Baylor Genetics
Classification: Uncertain significance for Melanoma, cutaneous malignant, susceptibility to, 1. Last evaluated: 2024-03-17. Review status: criteria provided, single submitter. Criteria: ACMG Guidelines, 2015. Collection method: clinical testing. Allele origin: unknown.

Color Diagnostics, LLC DBA Color Health
Classification: Uncertain significance for Hereditary cancer-predisposing syndrome. Last evaluated: 2024-01-29. Review status: criteria provided, single submitter. Criteria: ACMG Guidelines, 2015. Collection method: clinical testing. Allele origin: germline.
Comment: This missense variant replaces threonine with methionine at codon 24 of the STK11 protein. Computational prediction suggests that this variant may not impact protein structure and function. To our knowledge, functional studies have not been reported for this variant. This variant has been reported in individuals affected with leukemia (PMID: 26580448) and prostate cancer (PMID: 29368341). This variant has been identified in 2/245242 chromosomes in the general population by the Genome Aggregation Database (gnomAD). The available evidence is insufficient to determine the role of this variant in disease conclusively. Therefore, this variant is classified as a Variant of Uncertain Significance.

GeneDx
Classification: Uncertain significance. Last evaluated: 2023-10-09. Review status: criteria provided, single submitter. Criteria: GeneDx Variant Classification Process June 2021. Collection method: clinical testing. Allele origin: germline. Affected: yes.
Comment: Not observed at significant frequency in large population cohorts (gnomAD); In silico analysis supports that this missense variant does not alter protein structure/function; Reported in individuals with colorectal or acute megakaryoblastic leukemia, as well as both cases and controls in a breast cancer study (Zhang et al., 2015; Hampel et al., 2018; Dorling et al., 2021); This variant is associated with the following publications: (PMID: 26580448, 29368341, 33471991, 29596542)

Quest Diagnostics Nichols Institute San Juan Capistrano
Classification: Uncertain significance. Last evaluated: 2023-08-18. Review status: criteria provided, single submitter. Criteria: Quest Diagnostics criteria. Collection method: clinical testing. Allele origin: unknown.
Comment: In the published literature, this variant has been reported in individuals with prostate cancer (PMID: 29368341 (2018)) and acute myeloid leukemia (PMID: 26580448 (2015)). In a breast cancer association study, this variant was reported both in healthy individuals and those with breast cancer (PMID: 33471991 (2021), see also LOVD). The frequency of this variant in the general population, 0.0000082 (2/245242 chromosomes (Genome Aggregation Database)), is uninformative in the assessment of its pathogenicity. Analysis of this variant using bioinformatics tools for the prediction of the effect of amino acid changes on protein structure and function yielded predictions that this variant is benign. Based on the available information, we are unable to determine the clinical significance of this variant.

Ambry Genetics
Classification: Likely benign for Hereditary cancer-predisposing syndrome. Last evaluated: 2023-04-07. Review status: criteria provided, single submitter. Criteria: Ambry Variant Classification Scheme 2023. Collection method: clinical testing. Allele origin: germline.

Sema4
Classification: Uncertain significance for Hereditary cancer-predisposing syndrome. Last evaluated: 2021-09-16. Review status: criteria provided, single submitter. Criteria: Sema4 Curation Guidelines. Collection method: curation. Allele origin: germline.
Comment: The STK11 c.71C>T (p.T24M) variant has been reported in heterozygosity in at least three individuals with breast cancer, prostate cancer, or acute megakaryoblastic leukemia (PMID: 33471991, 29368341, 26580448). It was observed in 2/245242 chromosomes in the Genome Aggregation Database (PMID: 32461654). The variant has been reported in ClinVar (Variation ID 403777). Functional studies have not been performed, and in silico predictions of the variant's effect on protein function are inconclusive. The evidence is insufficient to meet ACMG/AMP criteria for classifying the variant as benign or pathogenic. Thus, the clinical significance of this variant is currently uncertain.

Genome-Nilou Lab
Classification: Uncertain significance for Peutz-Jeghers syndrome. Last evaluated: 2021-07-15. Review status: criteria provided, single submitter. Criteria: ACMG Guidelines, 2015. Collection method: clinical testing. Allele origin: germline. Affected: no.

PreventionGenetics, part of Exact Sciences
Classification: Uncertain significance for STK11-related condition. Last evaluated: 2024-04-12. Review status: no assertion criteria provided. Collection method: clinical testing. Allele origin: germline. Not counted in ClinVar's aggregate classification.
Comment: The STK11 c.71C>T variant is predicted to result in the amino acid substitution p.Thr24Met. This variant has been reported in individuals with leukemia (Supplementary Table S4a, Zhang et al 2015. PubMed ID: 26580448) and prostate cancer (Table 1, Isaacsson Velho et al 2018. PubMed ID: 29368341). This variant is reported in 0.0067% of alleles in individuals of African descent in gnomAD. This variant is interpreted as uncertain or likely benign in ClinVar. At this time, the clinical significance of this variant is uncertain due to the absence of conclusive functional and genetic evidence.

Literature cited by the submitters: PubMed 26580448 (cited by 5 submitters); PubMed 29368341 (cited by 5 submitters); PubMed 33471991 (cited by Quest Diagnostics Nichols Institute San Juan Capistrano and Sema4).

NM_000455.5(STK11):c.71C>T (p.Thr24Met)

Gene: STK11 (serine/threonine kinase 11; plus strand). Cytogenetic location: 19p13.3.
Variant type: single nucleotide variant.
Coding change: c.71C>T on transcript NM_000455.5 (MANE Select); coding-DNA position 71, C replaced by T.
Protein change: p.Thr24Met; replaces threonine 24 with methionine.
Molecular consequence: missense variant.
Genome position (GRCh38, 1-based): chr19:1,206,984, C>T. VCF-style: chr19-1206984-C-T. GRCh37 (hg19) VCF-style: chr19-1206983-C-T.
Other names: short protein forms T24M.
Identifiers: ClinVar variation 403777 (VCV000403777.28), dbSNP rs770503805, ClinGen allele CA048511.
Genomic context (GRCh38, chr19:1,206,984, plus strand): 5'-TGGACCCGCAGCAGCTGGGCATGTTCACGGAGGGCGAGCTGATGTCGGTGGGTATGGACA[C>T]GTTCATCCACCGCATCGACTCCACCGAGGTCATCTACCAGCCGCGCCGCAAGCGGGCCAA-3'
Protein context (NP_000446.1, residues 14-34): EGELMSVGMD[Thr24Met]FIHRIDSTEV